The following is an entry in ClinVar:

ClinVar aggregate classification (germline): Uncertain significance (1 of 4 stars; one submission).

Conditions:
Autoimmune interstitial lung disease-arthritis syndrome. Also called: Autoinflammation and autoimmunity, systemic, with immune dysregulation. Identifiers: Orphanet 444092, MedGen C5975714, MONDO:0014629.

Allele frequency attached by ClinVar (database versions not stated): gnomAD 0.00001; gnomAD exomes 0.00001 and 0.00002; TOPMed 0.00001; ESP Exome Variant Server 0.00008.
gnomAD v4.1: 27 of 1,613,764 alleles (0.0017%); highest among the groups gnomAD compares: East Asian, 0.0022%; no homozygotes.

Submission:

Labcorp Genetics (formerly Invitae), Labcorp
Classification: Uncertain significance for Autoimmune interstitial lung disease-arthritis syndrome. Last evaluated: 2022-10-17. Review status: criteria provided, single submitter. Criteria: Invitae Variant Classification Sherloc (09022015). Collection method: clinical testing. Allele origin: germline.
Comment: In summary, the available evidence is currently insufficient to determine the role of this variant in disease. Therefore, it has been classified as a Variant of Uncertain Significance. Advanced modeling of protein sequence and biophysical properties (such as structural, functional, and spatial information, amino acid conservation, physicochemical variation, residue mobility, and thermodynamic stability) performed at Invitae indicates that this missense variant is expected to disrupt COPA protein function. ClinVar contains an entry for this variant (Variation ID: 950109). This variant has not been reported in the literature in individuals affected with COPA-related conditions. This variant is present in population databases (rs145706918, gnomAD 0.003%). This sequence change replaces arginine, which is basic and polar, with glutamine, which is neutral and polar, at codon 321 of the COPA protein (p.Arg321Gln).

NM_004371.4(COPA):c.962G>A (p.Arg321Gln)

Gene: COPA (coat protein complex I subunit alpha; minus strand). Cytogenetic location: 1q23.2.
Variant type: single nucleotide variant.
Coding change: c.962G>A on transcript NM_004371.4 (MANE Select); coding-DNA position 962, G replaced by A.
Protein change: p.Arg321Gln; replaces arginine 321 with glutamine.
Molecular consequence: missense variant.
Genome position (GRCh38, 1-based): chr1:160,311,982, C>T on the plus strand (G>A on the coding strand, the complement: COPA is on the minus strand). VCF-style: chr1-160311982-C-T. GRCh37 (hg19) VCF-style: chr1-160281772-C-T.
Other names: c.962G>A, p.Arg321Gln (NM_001098398.2); short protein forms R321Q.
Identifiers: ClinVar variation 950109 (VCV000950109.9), dbSNP rs145706918, ClinGen allele CA31512865.
Genomic context (GRCh38, chr1:160,311,982, plus strand): 5'-AAGAATCGGTCCTTGACATAGTGTAGCATATTGCCATGAACAGCATAGGCTGGCCGTTCC[C>T]GTTCCAGCTTAAACACAATCATACCACCATCATGGCCTGGGGGACAGGGAGAGGAGGAGA-3'
Protein context (NP_004362.2, residues 311-331): DGGMIVFKLE[Arg321Gln]ERPAYAVHGN